The following is an entry in ClinVar:

ClinVar aggregate classification (germline): Uncertain significance. Review status: criteria provided, multiple submitters, no conflicts (2 of 4 stars). 2 submissions from 2 submitters: Uncertain significance (2). Last evaluated 2023-09-26.

Conditions:
Inborn genetic diseases. Identifiers: MedGen C0950123, MeSH D030342.

gnomAD v4.1: 7 of 1,613,994 alleles (0.00043%); highest among the groups gnomAD compares: African/African-American, 0.0067%; no homozygotes.

Submissions (2):

Ambry Genetics
Classification: Uncertain significance for Inborn genetic diseases. Last evaluated: 2023-09-26. Review status: criteria provided, single submitter. Criteria: Ambry Variant Classification Scheme 2023. Collection method: clinical testing. Allele origin: germline.

Labcorp Genetics (formerly Invitae), Labcorp
Classification: Uncertain significance. Last evaluated: 2022-04-23. Review status: criteria provided, single submitter. Criteria: Invitae Variant Classification Sherloc (09022015). Collection method: clinical testing. Allele origin: germline.
Comment: This sequence change replaces proline, which is neutral and non-polar, with arginine, which is basic and polar, at codon 1575 of the TUBGCP6 protein (p.Pro1575Arg). This variant is present in population databases (rs760094171, gnomAD 0.004%). This variant has not been reported in the literature in individuals affected with TUBGCP6-related conditions. Algorithms developed to predict the effect of missense changes on protein structure and function are either unavailable or do not agree on the potential impact of this missense change (SIFT: "Tolerated"; PolyPhen-2: "Possibly Damaging"; Align-GVGD: "Class C0"). In summary, the available evidence is currently insufficient to determine the role of this variant in disease. Therefore, it has been classified as a Variant of Uncertain Significance.

NM_020461.4(TUBGCP6):c.4724C>G (p.Pro1575Arg)

Gene: TUBGCP6 (tubulin gamma complex component 6; minus strand). Cytogenetic location: 22q13.33.
Variant type: single nucleotide variant.
Coding change: c.4724C>G on transcript NM_020461.4 (MANE Select); coding-DNA position 4724, C replaced by G.
Protein change: p.Pro1575Arg; replaces proline 1575 with arginine.
Molecular consequence: missense variant.
Genome position (GRCh38, 1-based): chr22:50,218,800, G>C on the plus strand (C>G on the coding strand, the complement: TUBGCP6 is on the minus strand). VCF-style: chr22-50218800-G-C. GRCh37 (hg19) VCF-style: chr22-50657229-G-C.
Other names: c.4724C>G (NM_020461.3); short protein forms P1575R.
Identifiers: ClinVar variation 1519379 (VCV001519379.4), dbSNP rs760094171, ClinGen allele CA10307368.
Genomic context (GRCh38, chr22:50,218,800, plus strand): 5'-GCGTTGGGGGCAAACACCTCGGGCAGGTACTTGAGAGCGAGGGAGAGGTTGGAGGCGTGC[G>C]GGGTGTCCCCATGCAGGCTGCACTGCAGGGCCTTGCTCAGCACAGAGTTCAGCACCAGCG-3'
Protein context (NP_065194.3, residues 1565-1585): ALQCSLHGDT[Pro1575Arg]HASNLSLALK